The following is an entry in ClinVar:

ClinVar aggregate classification (germline): Pathogenic (1 of 4 stars; one submission).

Conditions:
Hereditary cancer-predisposing syndrome. Also called: Hereditary Cancer Syndrome; Neoplastic Syndromes, Hereditary; Hereditary neoplastic syndrome; Tumor predisposition. Identifiers: Orphanet 140162, MedGen C0027672, MeSH D009386, MONDO:0015356.

Submission:

Labcorp Genetics (formerly Invitae), Labcorp
Classification: Pathogenic for Hereditary cancer-predisposing syndrome. Last evaluated: 2024-05-13. Review status: criteria provided, single submitter. Criteria: Invitae Variant Classification Sherloc (09022015). Collection method: clinical testing. Allele origin: germline.
Comment: This sequence change creates a premature translational stop signal (p.Ser14Alafs*10) in the RAD50 gene. It is expected to result in an absent or disrupted protein product. Loss-of-function variants in RAD50 are known to be pathogenic (PMID: 19409520). This variant is not present in population databases (gnomAD no frequency). This variant has not been reported in the literature in individuals affected with RAD50-related conditions. Algorithms developed to predict the effect of sequence changes on RNA splicing suggest that this variant may disrupt the consensus splice site. For these reasons, this variant has been classified as Pathogenic.

Literature cited by the submitters: PubMed 19409520.

NM_005732.4(RAD50):c.35_38dup (p.Ser14fs)

Gene: RAD50 (RAD50 double strand break repair protein; plus strand). Cytogenetic location: 5q31.1.
Variant type: Duplication.
Coding change: c.35_38dup on transcript NM_005732.4 (MANE Select); coding-DNA positions 35 to 38, 4 bases duplicated (TGCG; older notation c.35_38dupTGCG).
Protein change: p.Ser14fs; shifts the reading frame from serine 14.
Molecular consequence: frameshift variant.
Genome position (GRCh38, 1-based): chr5:132,557,359-132,557,362, TGCG duplicated; duplicating any 4 consecutive bases within chr5:132,557,356-132,557,362 gives the same sequence; the c. name uses the placement nearest the transcript's 3' end. VCF-style (leftmost placement, unchanged base first): chr5-132557355-G-GGCGT. GRCh37 (hg19) VCF-style: chr5-131893047-G-GGCGT.
Other names: short protein forms S14fs.
Identifiers: ClinVar variation 3653029 (VCV003653029.2).